The following is an entry in ClinVar:

ClinVar aggregate classification (germline): Likely benign. Review status: criteria provided, multiple submitters, no conflicts (2 of 4 stars). 2 submissions from 2 submitters: Likely benign (2). Last evaluated 2022-07-24.

Conditions:
Autosomal recessive spinocerebellar ataxia 12. Also called: SPINOCEREBELLAR ATAXIA WITH MENTAL RETARDATION AND EPILEPSY. Identifiers: Orphanet 284282, MedGen C3280452, MONDO:0013687, OMIM 614322.
Developmental and epileptic encephalopathy, 1 (DEE1). Also called: Epileptic encephalopathy, early infantile, 1; X-linked infantile spasms; West's syndrome; Tonic spasms with clustering, arrest of psychomotor development and hypsarrhythmia on EEG; X-Linked Infantile Spasm Syndrome; INFANTILE SPASM SYNDROME, X-LINKED 1. Identifiers: MedGen C3463992, MONDO:0010632, OMIM 308350. Disease mechanism: loss of function.

Submissions (2):

Labcorp Genetics (formerly Invitae), Labcorp
Classification: Likely benign for Developmental and epileptic encephalopathy, 1; Autosomal recessive spinocerebellar ataxia 12. Last evaluated: 2022-07-24. Review status: criteria provided, single submitter. Criteria: Invitae Variant Classification Sherloc (09022015). Collection method: clinical testing. Allele origin: germline.

GeneDx
Classification: Likely benign. Last evaluated: 2016-12-05. Review status: criteria provided, single submitter. Criteria: GeneDx Variant Classification (06012015). Collection method: clinical testing. Allele origin: germline. Affected: yes.
Comment: This variant is considered likely benign or benign based on one or more of the following criteria: it is a conservative change, it occurs at a poorly conserved position in the protein, it is predicted to be benign by multiple in silico algorithms, and/or has population frequency not consistent with disease.

NM_016373.4(WWOX):c.517-19T>C

Gene: WWOX (WW domain containing oxidoreductase; plus strand). Cytogenetic location: 16q23.1.
Variant type: single nucleotide variant.
Coding change: c.517-19T>C on transcript NM_016373.4 (MANE Select); 19 bases into the intron before coding-DNA position 517, T replaced by C.
Molecular consequence: intron variant.
Genome position (GRCh38, 1-based): chr16:78,386,841, T>C. VCF-style: chr16-78386841-T-C. GRCh37 (hg19) VCF-style: chr16-78420738-T-C.
Other names: c.178-19T>C (NM_001291997.2).
Identifiers: ClinVar variation 373695 (VCV000373695.6), dbSNP rs1057518552, ClinGen allele CA16043091.
Genomic context (GRCh38, chr16:78,386,841, plus strand): 5'-TAACACATTTACTGTAACTTGATACCATGAACTACACTTGCTGTTATTTATCATTTCTTT[T>C]TATTTTCTCTCATTGCAGCATAAAGCCAAGGTAGAAGCAATGACCCTGGACCTCGCTCTG-3'